The following is an entry in ClinVar:

NM_001105206.3(LAMA4):c.4691G>T (p.Ser1564Ile)

Gene: LAMA4 (laminin subunit alpha 4; minus strand). Cytogenetic location: 6q21.
Variant type: single nucleotide variant.
Coding change: c.4691G>T on transcript NM_001105206.3 (MANE Select); coding-DNA position 4691, G replaced by T.
Protein change: p.Ser1564Ile; replaces serine 1564 with isoleucine.
Molecular consequence: missense variant.
Genome position (GRCh38, 1-based): chr6:112,119,286, C>A on the plus strand (G>T on the coding strand, the complement: LAMA4 is on the minus strand). VCF-style: chr6-112119286-C-A. GRCh37 (hg19) VCF-style: chr6-112440489-C-A.
Other names: p.S1557I:AGT>ATT; c.4670G>T, p.Ser1557Ile (NM_001105207.3, NM_002290.5); short protein forms S1557I, S1564I.
Identifiers: ClinVar variation 44395 (VCV000044395.19), dbSNP rs369887291, ClinGen allele CA282392.

ClinVar aggregate classification (germline): Benign/Likely benign. Review status: criteria provided, multiple submitters, no conflicts (2 of 4 stars). 6 submissions from 6 submitters: Benign (1); Likely benign (5). Last evaluated 2026-01-26.

Conditions:
LAMA4-related disorder. Also called: LAMA4-related condition.
Cardiovascular phenotype. Identifiers: MedGen CN230736.
Dilated cardiomyopathy 1JJ (CMD1JJ). Identifiers: Orphanet 154, MedGen C3808935, MONDO:0014095, OMIM 615235.
Cardiomyopathy (CMYO). Also called: Cardiomyopathies. Identifiers: Orphanet 167848, MedGen C0878544, MONDO:0004994, HP:0001638. Inheritance: Various modes of inheritance.

Allele frequency attached by ClinVar (database versions not stated): gnomAD exomes 0.00005; gnomAD 0.00015 and 0.00018; TOPMed 0.00018; ExAC 0.00021; 1000 Genomes Project 30x 0.00094; 1000 Genomes Project 0.00100.
gnomAD v4.1: 158 of 1,614,020 alleles (0.0098%); highest among the groups gnomAD compares: East Asian, 0.19%; 1 homozygote.

Submissions (6):

PreventionGenetics, part of Exact Sciences
Classification: Likely benign for LAMA4-related condition. Last evaluated: 2026-01-26. Review status: criteria provided, single submitter. Criteria: ACMG Guidelines, 2015. Collection method: clinical testing. Allele origin: germline.
Comment: This variant is classified as likely benign based on ACMG/AMP sequence variant interpretation guidelines (Richards et al. 2015 PMID: 25741868, with internal and published modifications).

Labcorp Genetics (formerly Invitae), Labcorp
Classification: Likely benign for Dilated cardiomyopathy 1JJ. Last evaluated: 2026-01-25. Review status: criteria provided, single submitter. Criteria: Invitae Variant Classification Sherloc (09022015). Collection method: clinical testing. Allele origin: germline.

GeneDx
Classification: Likely benign. Last evaluated: 2021-06-26. Review status: criteria provided, single submitter. Criteria: GeneDx Variant Classification Process June 2021. Collection method: clinical testing. Allele origin: germline. Affected: yes.

Ambry Genetics
Classification: Likely benign for Cardiovascular phenotype. Last evaluated: 2019-08-14. Review status: criteria provided, single submitter. Criteria: Ambry Variant Classification Scheme 2023. Collection method: clinical testing. Allele origin: germline.

CHEO Genetics Diagnostic Laboratory, Children's Hospital of Eastern Ontario
Classification: Benign for Cardiomyopathy. Last evaluated: 2018-02-01. Review status: criteria provided, single submitter. Criteria: ACMG Guidelines, 2015. Collection method: clinical testing. Allele origin: germline.

Laboratory for Molecular Medicine, Mass General Brigham Personalized Medicine
Classification: Likely benign. Last evaluated: 2014-12-04. Review status: criteria provided, single submitter. Criteria: LMM Criteria. Collection method: clinical testing. Allele origin: germline. Observed: 3 variant alleles.
Comment: p.Ser1557Ile in exon 34 of LAMA4: This variant is not expected to have clinical significance because it has been identified in 0.3% (25/8748) of East Asian chro mosomes by the Exome Aggregation Consortium (ExAC, g; dbSNP rs369887291). Moreover, serine (Ser) at position 1557 is not conserved in mammals or evolutionarily distant species and at least 16 species (14 species of bird, American alligator, stickelback) carry an isolecuine (Ile) at this pos ition, supporting that this change may be tolerated.